The following is an entry in ClinVar:

ClinVar aggregate classification (germline): Uncertain significance (1 of 4 stars; one submission).

Conditions:
Hereditary cancer-predisposing syndrome. Also called: Tumor predisposition; Neoplastic Syndromes, Hereditary; Hereditary neoplastic syndrome; Hereditary Cancer Syndrome. Identifiers: Orphanet 140162, MedGen C0027672, MeSH D009386, MONDO:0015356.

gnomAD v4.1: 1 of 1,614,218 alleles (0.000062%); highest among the groups gnomAD compares: Non-Finnish European, 0.000085%; no homozygotes.

Submission:

Ambry Genetics
Classification: Uncertain significance for Hereditary cancer-predisposing syndrome. Last evaluated: 2024-07-15. Review status: criteria provided, single submitter. Criteria: Ambry Variant Classification Scheme 2023. Collection method: clinical testing. Allele origin: germline.
Comment: The p.K147Q variant (also known as c.439A>C), located in coding exon 4 of the SDHAF2 gene, results from an A to C substitution at nucleotide position 439. The lysine at codon 147 is replaced by glutamine, an amino acid with similar properties. This amino acid position is conserved. In addition, this alteration is predicted to be tolerated by in silico analysis. Based on the available evidence, the clinical significance of this variant remains unclear.

NM_017841.4(SDHAF2):c.439A>C (p.Lys147Gln)

Gene: SDHAF2 (succinate dehydrogenase complex assembly factor 2; plus strand). Cytogenetic location: 11q12.2.
Variant type: single nucleotide variant.
Coding change: c.439A>C on transcript NM_017841.4 (MANE Select); coding-DNA position 439, A replaced by C.
Protein change: p.Lys147Gln; replaces lysine 147 with glutamine.
Molecular consequence: missense variant.
Genome position (GRCh38, 1-based): chr11:61,446,009, A>C. VCF-style: chr11-61446009-A-C. GRCh37 (hg19) VCF-style: chr11-61213481-A-C.
Other names: short protein forms K147Q.
Identifiers: ClinVar variation 3438723 (VCV003438723.1).